The following is an entry in ClinVar:

ClinVar aggregate classification (germline): Likely benign (0 of 4 stars; one submission).

Conditions:
ACACB-related disorder. Also called: ACACB-related condition.

Allele frequency attached by ClinVar (database versions not stated): ESP Exome Variant Server 0.00062; gnomAD exomes 0.00075; 1000 Genomes Project 30x 0.00078; gnomAD 0.00092; 1000 Genomes Project 0.00100; ExAC 0.00122; TOPMed 0.00126.
gnomAD v4.1: 1,285 of 1,614,088 alleles (0.08%); highest among the groups gnomAD compares: Middle Eastern, 1.2%; 6 homozygotes.

Submission:

PreventionGenetics, part of Exact Sciences
Classification: Likely benign for ACACB-related condition. Last evaluated: 2023-02-01. Review status: no assertion criteria provided. Collection method: clinical testing. Allele origin: germline.
Comment: This variant is classified as likely benign based on ACMG/AMP sequence variant interpretation guidelines (Richards et al. 2015 PMID: 25741868, with internal and published modifications).

NM_001093.4(ACACB):c.5279A>G (p.Asn1760Ser)

Gene: ACACB (acetyl-CoA carboxylase beta; plus strand). Cytogenetic location: 12q24.11.
Variant type: single nucleotide variant.
Coding change: c.5279A>G on transcript NM_001093.4 (MANE Select); coding-DNA position 5279, A replaced by G.
Protein change: p.Asn1760Ser; replaces asparagine 1760 with serine.
Molecular consequence: missense variant.
Genome position (GRCh38, 1-based): chr12:109,245,726, A>G. VCF-style: chr12-109245726-A-G. GRCh37 (hg19) VCF-style: chr12-109683531-A-G.
Other names: c.5279A>G, p.Asn1760Ser (NM_001412734.1, NM_001412735.1); c.4673A>G, p.Asn1558Ser (NM_001412736.1, NM_001412739.1); c.4652A>G, p.Asn1551Ser (NM_001412737.1); c.4484A>G, p.Asn1495Ser (NM_001412738.1); short protein forms N1495S, N1551S, N1558S, N1760S.
Identifiers: ClinVar variation 3044672 (VCV003044672.2), dbSNP rs147443159, ClinGen allele CA6774685.